The following is an entry in ClinVar:

NM_004385.5(VCAN):c.64C>T (p.His22Tyr)

Gene: VCAN (versican; plus strand). Cytogenetic location: 5q14.2.
Variant type: single nucleotide variant.
Coding change: c.64C>T on transcript NM_004385.5 (MANE Select); coding-DNA position 64, C replaced by T.
Protein change: p.His22Tyr; replaces histidine 22 with tyrosine.
Molecular consequence: missense variant.
Genome position (GRCh38, 1-based): chr5:83,483,582, C>T. VCF-style: chr5-83483582-C-T. GRCh37 (hg19) VCF-style: chr5-82779401-C-T.
Other names: c.64C>T, p.His22Tyr (NM_001126336.3, NM_001164097.2, NM_001164098.2); short protein forms H22Y.
Identifiers: ClinVar variation 2123325 (VCV002123325.4), dbSNP rs748911990, ClinGen allele CA3332363.

ClinVar aggregate classification (germline): Uncertain significance (1 of 4 stars; one submission).

Allele frequency attached by ClinVar (database versions not stated): gnomAD exomes below 0.00001; TOPMed below 0.00001; ExAC 0.00002.
gnomAD v4.1: 3 of 1,612,982 alleles (0.00019%); highest among the groups gnomAD compares: East Asian, 0.0067%; no homozygotes.

Submission:

Labcorp Genetics (formerly Invitae), Labcorp
Classification: Uncertain significance. Last evaluated: 2022-04-08. Review status: criteria provided, single submitter. Criteria: Invitae Variant Classification Sherloc (09022015). Collection method: clinical testing. Allele origin: germline.
Comment: In summary, the available evidence is currently insufficient to determine the role of this variant in disease. Therefore, it has been classified as a Variant of Uncertain Significance. Algorithms developed to predict the effect of missense changes on protein structure and function are either unavailable or do not agree on the potential impact of this missense change (SIFT: "Deleterious"; PolyPhen-2: "Possibly Damaging"; Align-GVGD: "Class C0"). This variant has not been reported in the literature in individuals affected with VCAN-related conditions. The frequency data for this variant in the population databases is considered unreliable, as metrics indicate poor data quality at this position in the gnomAD database. This sequence change replaces histidine, which is basic and polar, with tyrosine, which is neutral and polar, at codon 22 of the VCAN protein (p.His22Tyr).